The following is an entry in ClinVar:

ClinVar aggregate classification (germline): Uncertain significance (1 of 4 stars; one submission).

Submission:

Dasa
Classification: Uncertain significance. Last evaluated: 2025-12-01. Review status: criteria provided, single submitter. Criteria: DASA Assertion Criteria. Collection method: clinical testing. Allele origin: germline.
Comment: NM_032043.3(BRIP1):c.380-68G>A is an intronic variant. This variant is rare in population databases. Computational prediction algorithms are consistent with a deleterious effect. The currently available literature and clinical evidence are not sufficient to establish a definitive association between this variant and the reported condition. Therefore, this variant is classified as a variant of uncertain significance.

NM_032043.3(BRIP1):c.380-68G>A

Gene: BRIP1 (BRCA1 interacting DNA helicase 1; minus strand). Cytogenetic location: 17q23.2.
Variant type: single nucleotide variant.
Coding change: c.380-68G>A on transcript NM_032043.3 (MANE Select); 68 bases into the intron before coding-DNA position 380, G replaced by A.
Molecular consequence: intron variant.
Genome position (GRCh38, 1-based): chr17:61,849,324, C>T on the plus strand (G>A on the coding strand, the complement: BRIP1 is on the minus strand). VCF-style: chr17-61849324-C-T. GRCh37 (hg19) VCF-style: chr17-59926685-C-T.
Identifiers: ClinVar variation 4883476 (VCV004883476.2).
Genomic context (GRCh38, chr17:61,849,324, plus strand): 5'-AAGTAATTTAAAAAAAACAGCATAAATAACTTACAGGTAGGCAATTTTTCTAGAAGAAAA[C>T]TGGAACCAGGATGTAAGGCTTATTTCTAGAAATTTCATACCATAATCTAAAACATGAAAC-3'